The following is an entry in ClinVar:

NM_000548.5(TSC2):c.4185G>C (p.Gln1395His)

Gene: TSC2 (TSC complex subunit 2; plus strand). Cytogenetic location: 16p13.3.
Variant type: single nucleotide variant.
Coding change: c.4185G>C on transcript NM_000548.5 (MANE Select); coding-DNA position 4185, G replaced by C.
Protein change: p.Gln1395His; replaces glutamine 1395 with histidine.
Molecular consequence: missense variant.
Genome position (GRCh38, 1-based): chr16:2,084,407, G>C. VCF-style: chr16-2084407-G-C. GRCh37 (hg19) VCF-style: chr16-2134408-G-C.
Other names: c.3984G>C, p.Gln1328His (NM_001077183.3); c.4116G>C, p.Gln1372His (NM_001114382.3); c.3876G>C, p.Gln1292His (NM_001318827.2); c.3840G>C, p.Gln1280His (NM_001318829.2); c.3453G>C, p.Gln1151His (NM_001318831.2); c.4017G>C, p.Gln1339His (NM_001318832.2); c.3987G>C, p.Gln1329His (NM_001363528.2); c.4053G>C, p.Gln1351His (NM_001370404.1); and 1 more; short protein forms Q1328H, Q1339H, Q1351H, Q1372H, Q1292H, Q1329H, Q1280H, Q1352H.
Identifiers: ClinVar variation 1447424 (VCV001447424.8), dbSNP rs2151526541, ClinGen allele CA394299817.

ClinVar aggregate classification (germline): Uncertain significance (1 of 4 stars; one submission).

Conditions:
Tuberous sclerosis 2 (TSC2). Identifiers: Orphanet 805, MedGen C1860707, MONDO:0013199, OMIM 613254.

Submission:

Labcorp Genetics (formerly Invitae), Labcorp
Classification: Uncertain significance for Tuberous sclerosis 2. Last evaluated: 2024-05-13. Review status: criteria provided, single submitter. Criteria: Invitae Variant Classification Sherloc (09022015). Collection method: clinical testing. Allele origin: germline.
Comment: This sequence change replaces glutamine, which is neutral and polar, with histidine, which is basic and polar, at codon 1395 of the TSC2 protein (p.Gln1395His). This variant is not present in population databases (gnomAD no frequency). This variant has not been reported in the literature in individuals affected with TSC2-related conditions. ClinVar contains an entry for this variant (Variation ID: 1447424). Advanced modeling of protein sequence and biophysical properties (such as structural, functional, and spatial information, amino acid conservation, physicochemical variation, residue mobility, and thermodynamic stability) performed at Invitae indicates that this missense variant is not expected to disrupt TSC2 protein function with a negative predictive value of 95%. In summary, the available evidence is currently insufficient to determine the role of this variant in disease. Therefore, it has been classified as a Variant of Uncertain Significance.